The following is an entry in ClinVar:

NM_002439.5(MSH3):c.1148_1149del (p.Lys383fs)

Gene: MSH3 (mutS homolog 3; plus strand). Cytogenetic location: 5q14.1.
Variant type: Deletion.
Coding change: c.1148_1149del on transcript NM_002439.5 (MANE Select); coding-DNA positions 1148 to 1149, 2 bases deleted (AG; older notation c.1148_1149delAG).
Protein change: p.Lys383fs; shifts the reading frame from lysine 383.
Molecular consequence: frameshift variant.
Genome position (GRCh38, 1-based): chr5:80,675,103-80,675,104, AG deleted. VCF-style (leftmost placement, unchanged base first): chr5-80675102-AAG-A. GRCh37 (hg19) VCF-style: chr5-79970921-AAG-A.
Other names: short protein forms K383fs.
Identifiers: ClinVar variation 2451042 (VCV002451042.5), dbSNP rs2546724398, ClinGen allele CA2580073638.

ClinVar aggregate classification (germline): Pathogenic. Review status: criteria provided, multiple submitters, no conflicts (2 of 4 stars). 2 submissions from 2 submitters: Pathogenic (2). Last evaluated 2023-08-17.

Conditions:
Hereditary cancer-predisposing syndrome. Also called: Neoplastic Syndromes, Hereditary; Tumor predisposition; Hereditary neoplastic syndrome; Hereditary Cancer Syndrome. Identifiers: Orphanet 140162, MedGen C0027672, MeSH D009386, MONDO:0015356.

Allele frequency attached by ClinVar (database versions not stated): gnomAD exomes below 0.00001.

Submissions (2):

Labcorp Genetics (formerly Invitae), Labcorp
Classification: Pathogenic. Last evaluated: 2023-08-17. Review status: criteria provided, single submitter. Criteria: Invitae Variant Classification Sherloc (09022015). Collection method: clinical testing. Allele origin: germline.
Comment: This sequence change creates a premature translational stop signal (p.Lys383Argfs*20) in the MSH3 gene. It is expected to result in an absent or disrupted protein product. Loss-of-function variants in MSH3 are known to be pathogenic (PMID: 27476653, 37402566). This variant is not present in population databases (gnomAD no frequency). This variant has not been reported in the literature in individuals affected with MSH3-related conditions. ClinVar contains an entry for this variant (Variation ID: 2451042). For these reasons, this variant has been classified as Pathogenic.

Ambry Genetics
Classification: Pathogenic for Hereditary cancer-predisposing syndrome. Last evaluated: 2022-11-28. Review status: criteria provided, single submitter. Criteria: Ambry Variant Classification Scheme 2023. Collection method: clinical testing. Allele origin: germline.
Comment: The c.1148_1149delAG pathogenic mutation, located in coding exon 7 of the MSH3 gene, results from a deletion of two nucleotides at nucleotide positions 1148 to 1149, causing a translational frameshift with a predicted alternate stop codon (p.K383Rfs*20). This variant is considered to be rare based on population cohorts in the Genome Aggregation Database (gnomAD). This alteration is expected to result in loss of function by premature protein truncation or nonsense-mediated mRNA decay. As such, this alteration is interpreted as a disease-causing mutation.

Literature cited by the submitters: PubMed 27476653 (cited by Labcorp Genetics (formerly Invitae), Labcorp); PubMed 37402566 (cited by Labcorp Genetics (formerly Invitae), Labcorp).